The following is an entry in ClinVar:

ClinVar aggregate classification (germline): Uncertain significance (1 of 4 stars; one submission).

Conditions:
Familial focal epilepsy with variable foci (FPEVF). Identifiers: Orphanet 98820, MedGen C1858477, MONDO:0020310.

Allele frequency attached by ClinVar (database versions not stated): gnomAD exomes below 0.00001.
gnomAD v4.1: 1 of 1,610,464 alleles (0.000062%); highest among the groups gnomAD compares: Non-Finnish European, 0.000085%; no homozygotes.

Submission:

Labcorp Genetics (formerly Invitae), Labcorp
Classification: Uncertain significance for Familial focal epilepsy with variable foci. Last evaluated: 2024-06-24. Review status: criteria provided, single submitter. Criteria: Invitae Variant Classification Sherloc (09022015). Collection method: clinical testing. Allele origin: germline.
Comment: This sequence change replaces proline, which is neutral and non-polar, with leucine, which is neutral and non-polar, at codon 294 of the DEPDC5 protein (p.Pro294Leu). This variant is not present in population databases (gnomAD no frequency). This variant has not been reported in the literature in individuals affected with DEPDC5-related conditions. ClinVar contains an entry for this variant (Variation ID: 2014107). Experimental studies and prediction algorithms are not available or were not evaluated, and the functional significance of this variant is currently unknown. In summary, the available evidence is currently insufficient to determine the role of this variant in disease. Therefore, it has been classified as a Variant of Uncertain Significance.

NM_001242896.3(DEPDC5):c.881C>T (p.Pro294Leu)

Gene: DEPDC5 (DEP domain containing 5, GATOR1 subcomplex subunit; plus strand). Cytogenetic location: 22q12.2.
Variant type: single nucleotide variant.
Coding change: c.881C>T on transcript NM_001242896.3 (MANE Select); coding-DNA position 881, C replaced by T.
Protein change: p.Pro294Leu; replaces proline 294 with leucine.
Molecular consequence: missense variant. On other transcripts: non-coding transcript variant (5).
Genome position (GRCh38, 1-based): chr22:31,798,591, C>T. VCF-style: chr22-31798591-C-T. GRCh37 (hg19) VCF-style: chr22-32194577-C-T.
Other names: c.881C>T, p.Pro294Leu (NM_001007188.4, NM_001136029.4, NM_001242897.2 and 7 more transcripts); c.797C>T, p.Pro266Leu (NM_001369901.1, NM_001369902.1); short protein forms P294L, P266L.
Identifiers: ClinVar variation 2014107 (VCV002014107.4), dbSNP rs2518767557, ClinGen allele CA411291530.